The following is an entry in ClinVar:

NM_020921.4(NIN):c.311G>A (p.Arg104His)

Gene: NIN (ninein; minus strand). Cytogenetic location: 14q22.1.
Variant type: single nucleotide variant.
Coding change: c.311G>A on transcript NM_020921.4 (MANE Select); coding-DNA position 311, G replaced by A.
Protein change: p.Arg104His; replaces arginine 104 with histidine.
Molecular consequence: missense variant.
Genome position (GRCh38, 1-based): chr14:50,792,836, C>T on the plus strand (G>A on the coding strand, the complement: NIN is on the minus strand). VCF-style: chr14-50792836-C-T. GRCh37 (hg19) VCF-style: chr14-51259554-C-T.
Other names: c.311G>A, p.Arg104His (NM_016350.5, NM_182944.3, NM_182946.2); short protein forms R104H.
Identifiers: ClinVar variation 1919451 (VCV001919451.5), dbSNP rs140133644, ClinGen allele CA7182524.

ClinVar aggregate classification (germline): Uncertain significance (1 of 4 stars; one submission).

Allele frequency attached by ClinVar (database versions not stated): ExAC 0.00002; gnomAD exomes 0.00002; TOPMed 0.00005; gnomAD 0.00006; ESP Exome Variant Server 0.00015.
gnomAD v4.1: 36 of 1,614,126 alleles (0.0022%); highest among the groups gnomAD compares: African/African-American, 0.012%; no homozygotes.

Submission:

Labcorp Genetics (formerly Invitae), Labcorp
Classification: Uncertain significance. Last evaluated: 2022-10-13. Review status: criteria provided, single submitter. Criteria: Invitae Variant Classification Sherloc (09022015). Collection method: clinical testing. Allele origin: germline.
Comment: This variant is present in population databases (rs140133644, gnomAD 0.008%). This sequence change replaces arginine, which is basic and polar, with histidine, which is basic and polar, at codon 104 of the NIN protein (p.Arg104His). This variant has not been reported in the literature in individuals affected with NIN-related conditions. Algorithms developed to predict the effect of missense changes on protein structure and function are either unavailable or do not agree on the potential impact of this missense change (SIFT: "Deleterious"; PolyPhen-2: "Probably Damaging"; Align-GVGD: "Class C0"). In summary, the available evidence is currently insufficient to determine the role of this variant in disease. Therefore, it has been classified as a Variant of Uncertain Significance.